The following is an entry in ClinVar:

ClinVar aggregate classification (germline): Uncertain significance. Review status: criteria provided, multiple submitters, no conflicts (2 of 4 stars). 4 submissions from 4 submitters: Uncertain significance (3). 1 of the submissions does not count toward it. Last evaluated 2024-09-06.

Conditions:
COL2A1-related disorder. Also called: COL2A1-related condition; COL2A1-related disorders.

Submissions (4):

Blueprint Genetics
Classification: Uncertain significance. Last evaluated: 2024-09-06. Review status: criteria provided, single submitter. Criteria: ACMG Guidelines, 2015. Collection method: clinical testing. Allele origin: germline.

Labcorp Genetics (formerly Invitae), Labcorp
Classification: Uncertain significance. Last evaluated: 2023-01-14. Review status: criteria provided, single submitter. Criteria: Invitae Variant Classification Sherloc (09022015). Collection method: clinical testing. Allele origin: germline.
Comment: This variant has not been reported in the literature in individuals affected with COL2A1-related conditions. This variant is present in population databases (rs773138674, gnomAD 0.003%). This sequence change falls in intron 45 of the COL2A1 gene. It does not directly change the encoded amino acid sequence of the COL2A1 protein. It affects a nucleotide within the consensus splice site. ClinVar contains an entry for this variant (Variation ID: 1041678). In summary, the available evidence is currently insufficient to determine the role of this variant in disease. Therefore, it has been classified as a Variant of Uncertain Significance. Variants that disrupt the consensus splice site are a relatively common cause of aberrant splicing (PMID: 17576681, 9536098). Algorithms developed to predict the effect of sequence changes on RNA splicing suggest that this variant may create or strengthen a splice site.

GeneDx
Classification: Uncertain significance. Last evaluated: 2021-06-14. Review status: criteria provided, single submitter. Criteria: GeneDx Variant Classification Process June 2021. Collection method: clinical testing. Allele origin: germline. Affected: yes.
Comment: In silico analysis supports a deleterious effect on splicing; Has not been previously published as pathogenic or benign to our knowledge; This variant is associated with the following publications: (PMID: 27535533)

PreventionGenetics, part of Exact Sciences
Classification: Likely benign for COL2A1-related condition. Last evaluated: 2023-09-19. Review status: no assertion criteria provided. Collection method: clinical testing. Allele origin: germline. Not counted in ClinVar's aggregate classification.
Comment: This variant is classified as likely benign based on ACMG/AMP sequence variant interpretation guidelines (Richards et al. 2015 PMID: 25741868, with internal and published modifications).

Literature cited by the submitters: PubMed 17576681 (cited by Labcorp Genetics (formerly Invitae), Labcorp); PubMed 9536098 (cited by Labcorp Genetics (formerly Invitae), Labcorp).

NM_001844.5(COL2A1):c.3165+4_3165+7del

Gene: COL2A1 (collagen type II alpha 1 chain; minus strand). Cytogenetic location: 12q13.11.
Variant type: Deletion.
Coding change: c.3165+4_3165+7del on transcript NM_001844.5 (MANE Select); bases 4 to 7 of the intron after coding-DNA position 3165, 4 bases deleted (AGTG; older notation c.3165+4_3165+7delAGTG).
Molecular consequence: splice donor variant.
Genome position (GRCh38, 1-based): chr12:47,977,593-47,977,596, CACT deleted on the plus strand (AGTG on the coding strand, the reverse complement: COL2A1 is on the minus strand); deleting any 4 consecutive bases within chr12:47,977,593-47,977,599 gives the same sequence; the c. name uses the placement nearest the transcript's 3' end. VCF-style (leftmost placement, unchanged base first): chr12-47977592-ACACT-A. GRCh37 (hg19) VCF-style: chr12-48371375-ACACT-A.
Other names: c.2958+4_2958+7del (NM_033150.3); c.3165+4_3165+7delAGTG (NM_001844.4).
Identifiers: ClinVar variation 1041678 (VCV001041678.13), dbSNP rs773138674, ClinGen allele CA6534864.